The following is an entry in ClinVar:

NM_000063.6(C2):c.1654C>T (p.Gln552Ter)

Gene: C2 (complement C2; plus strand). Cytogenetic location: 6p21.33.
Variant type: single nucleotide variant.
Coding change: c.1654C>T on transcript NM_000063.6 (MANE Select); coding-DNA position 1654, C replaced by T.
Protein change: p.Gln552Ter; replaces glutamine 552 with a stop codon.
Molecular consequence: nonsense.
Genome position (GRCh38, 1-based): chr6:31,943,730, C>T. VCF-style: chr6-31943730-C-T. GRCh37 (hg19) VCF-style: chr6-31911507-C-T.
Other names: c.1258C>T, p.Gln420Ter (NM_001145903.3); c.1012C>T, p.Gln338Ter (NM_001178063.3); c.916C>T, p.Gln306Ter (NM_001282457.2); c.1567C>T, p.Gln523Ter (NM_001282458.2); short protein forms Q306*, Q338*, Q523*, Q552*, Q420*.
Identifiers: ClinVar variation 2842298 (VCV002842298.3), dbSNP rs2482629335, ClinGen allele CA363379319.
Genomic context (GRCh38, chr6:31,943,730, plus strand): 5'-GAATTCCTTATTGAGAAGGCGGTGATCTCCCCAGGGTTTGATGTCTTTGCCAAAAAGAAC[C>T]AGGGAATCCTGGAGTTCTATGGTGATGACATAGCTCTGCTGAAGCTGGCCCAGAAAGTAA-3'

ClinVar aggregate classification (germline): Pathogenic (1 of 4 stars; one submission).

Submission:

Labcorp Genetics (formerly Invitae), Labcorp
Classification: Pathogenic. Last evaluated: 2025-05-07. Review status: criteria provided, single submitter. Criteria: Invitae Variant Classification Sherloc (09022015). Collection method: clinical testing. Allele origin: germline.
Comment: This sequence change creates a premature translational stop signal (p.Gln552*) in the C2 gene. It is expected to result in an absent or disrupted protein product. Loss-of-function variants in C2 are known to be pathogenic (PMID: 1577763, 9616367). This variant is not present in population databases (gnomAD no frequency). This variant has not been reported in the literature in individuals affected with C2-related conditions. ClinVar contains an entry for this variant (Variation ID: 2842298). Algorithms developed to predict the effect of sequence changes on RNA splicing suggest that this variant may disrupt the consensus splice site. For these reasons, this variant has been classified as Pathogenic.

Literature cited by the submitters: PubMed 1577763; PubMed 9616367.